The following is an entry in ClinVar:

NM_012210.4(TRIM32):c.842T>C (p.Leu281Pro)

Genes: ASTN2 (astrotactin 2; minus strand), TRIM32 (tripartite motif containing 32; plus strand). Cytogenetic location: 9q33.1.
Variant type: single nucleotide variant.
Coding change: c.842T>C on transcript NM_012210.4 (MANE Select); coding-DNA position 842, T replaced by C.
Protein change: p.Leu281Pro; replaces leucine 281 with proline.
Molecular consequence: missense variant. On other transcripts: intron variant (3).
Genome position (GRCh38, 1-based): chr9:116,698,584, T>C. VCF-style: chr9-116698584-T-C. GRCh37 (hg19) VCF-style: chr9-119460863-T-C.
Other names: c.842T>C, p.Leu281Pro (NM_001099679.2, NM_001379048.1, NM_001379049.1 and 1 more transcripts); c.2653+27187A>G (NM_014010.5); c.2794+27187A>G (NM_001365069.1); c.2806+27187A>G (NM_001365068.1); short protein forms L281P.
Identifiers: ClinVar variation 1408934 (VCV001408934.10), dbSNP rs1861006758, ClinGen allele CA374650026.

ClinVar aggregate classification (germline): Uncertain significance. Review status: criteria provided, multiple submitters, no conflicts (2 of 4 stars). 3 submissions from 3 submitters: Uncertain significance (3). Last evaluated 2025-04-22.

Conditions:
TRIM32-related disorder. Also called: TRIM32-related condition.
Bardet-Biedl syndrome (BBS). Identifiers: Orphanet 110, MedGen C0752166, MONDO:0015229.
Sarcotubular myopathy (LGMDR8). Also called: Limb-girdle muscular dystrophy, type 2H; Hutterite type of muscular dystrophy; MUSCULAR DYSTROPHY, LIMB-GIRDLE, AUTOSOMAL RECESSIVE 8; Autosomal recessive limb-girdle muscular dystrophy type 2H. Identifiers: Orphanet 1878, MedGen C0270968, MONDO:0009683, OMIM 254110.
Bardet-Biedl syndrome 11 (BBS11). Identifiers: Orphanet 110, MedGen C1859569, MONDO:0014439, OMIM 615988.

Allele frequency attached by ClinVar (database versions not stated): TOPMed below 0.00001.

Submissions (3):

PreventionGenetics, part of Exact Sciences
Classification: Uncertain significance for TRIM32-related condition. Last evaluated: 2025-04-22. Review status: criteria provided, single submitter. Criteria: ACMG Guidelines, 2015. Collection method: clinical testing. Allele origin: germline.
Comment: The TRIM32 c.842T>C variant is predicted to result in the amino acid substitution p.Leu281Pro. To our knowledge, this variant has not been reported in the literature or in a large population database (gnomAD), indicating this variant is rare. At this time, the clinical significance of this variant is uncertain due to the absence of conclusive functional and genetic evidence.

Labcorp Genetics (formerly Invitae), Labcorp
Classification: Uncertain significance for Bardet-Biedl syndrome. Last evaluated: 2025-02-03. Review status: criteria provided, single submitter. Criteria: Invitae Variant Classification Sherloc (09022015). Collection method: clinical testing. Allele origin: germline.
Comment: This sequence change replaces leucine, which is neutral and non-polar, with proline, which is neutral and non-polar, at codon 281 of the TRIM32 protein (p.Leu281Pro). This variant is not present in population databases (gnomAD no frequency). This variant has not been reported in the literature in individuals affected with TRIM32-related conditions. ClinVar contains an entry for this variant (Variation ID: 1408934). An algorithm developed to predict the effect of missense changes on protein structure and function (PolyPhen-2) suggests that this variant is likely to be disruptive. In summary, the available evidence is currently insufficient to determine the role of this variant in disease. Therefore, it has been classified as a Variant of Uncertain Significance.

Fulgent Genetics
Classification: Uncertain significance for Sarcotubular myopathy; Bardet-Biedl syndrome 11. Last evaluated: 2021-10-14. Review status: criteria provided, single submitter. Criteria: ACMG Guidelines, 2015. Collection method: clinical testing. Allele origin: unknown.